The following is an entry in ClinVar:

NM_030761.5(WNT4):c.1032C>T (p.Leu344=)

Gene: WNT4 (Wnt family member 4; minus strand). Cytogenetic location: 1p36.12.
Variant type: single nucleotide variant.
Coding change: c.1032C>T on transcript NM_030761.5 (MANE Select); coding-DNA position 1032, C replaced by T.
Protein change: p.Leu344=; no amino-acid change (leucine 344 retained).
Molecular consequence: synonymous variant.
Genome position (GRCh38, 1-based): chr1:22,120,074, G>A on the plus strand (C>T on the coding strand, the complement: WNT4 is on the minus strand). VCF-style: chr1-22120074-G-A. GRCh37 (hg19) VCF-style: chr1-22446567-G-A.
Identifiers: ClinVar variation 3050685 (VCV003050685.2), dbSNP rs774167732, ClinGen allele CA675228.

ClinVar aggregate classification (germline): Likely benign (0 of 4 stars; one submission).

Conditions:
WNT4-related disorder. Also called: WNT4-related condition.

Allele frequency attached by ClinVar (database versions not stated): gnomAD 0.00001; gnomAD exomes 0.00001; ExAC 0.00002; TOPMed 0.00002.
gnomAD v4.1: 12 of 1,610,990 alleles (0.00074%); highest among the groups gnomAD compares: Admixed American, 0.012%; no homozygotes.

Submission:

PreventionGenetics, part of Exact Sciences
Classification: Likely benign for WNT4-related condition. Last evaluated: 2019-07-24. Review status: no assertion criteria provided. Collection method: clinical testing. Allele origin: germline.
Comment: This variant is classified as likely benign based on ACMG/AMP sequence variant interpretation guidelines (Richards et al. 2015 PMID: 25741868, with internal and published modifications).